The following is an entry in ClinVar:

NM_004958.4(MTOR):c.3509G>A (p.Arg1170His)

Gene: MTOR (mechanistic target of rapamycin kinase; minus strand). Cytogenetic location: 1p36.22.
Variant type: single nucleotide variant.
Coding change: c.3509G>A on transcript NM_004958.4 (MANE Select); coding-DNA position 3509, G replaced by A.
Protein change: p.Arg1170His; replaces arginine 1170 with histidine.
Molecular consequence: missense variant.
Genome position (GRCh38, 1-based): chr1:11,212,364, C>T on the plus strand (G>A on the coding strand, the complement: MTOR is on the minus strand). VCF-style: chr1-11212364-C-T. GRCh37 (hg19) VCF-style: chr1-11272421-C-T.
Other names: c.3509G>A, p.Arg1170His (NM_001386500.1); c.2261G>A, p.Arg754His (NM_001386501.1); short protein forms R1170H, R754H.
Identifiers: ClinVar variation 1488004 (VCV001488004.6), dbSNP rs777142056, ClinGen allele CA590208.

ClinVar aggregate classification (germline): Uncertain significance (1 of 4 stars; one submission).

Allele frequency attached by ClinVar (database versions not stated): TOPMed below 0.00001; gnomAD exomes 0.00001 and 0.00002; ExAC 0.00002.
gnomAD v4.1: 15 of 1,614,104 alleles (0.00093%); highest among the groups gnomAD compares: South Asian, 0.0033%; no homozygotes.

Submission:

Labcorp Genetics (formerly Invitae), Labcorp
Classification: Uncertain significance. Last evaluated: 2023-06-18. Review status: criteria provided, single submitter. Criteria: Invitae Variant Classification Sherloc (09022015). Collection method: clinical testing. Allele origin: germline.
Comment: In summary, the available evidence is currently insufficient to determine the role of this variant in disease. Therefore, it has been classified as a Variant of Uncertain Significance. Advanced modeling of protein sequence and biophysical properties (such as structural, functional, and spatial information, amino acid conservation, physicochemical variation, residue mobility, and thermodynamic stability) performed at Invitae indicates that this missense variant is not expected to disrupt MTOR protein function. ClinVar contains an entry for this variant (Variation ID: 1488004). This variant has not been reported in the literature in individuals affected with MTOR-related conditions. This variant is present in population databases (rs777142056, gnomAD 0.006%). This sequence change replaces arginine, which is basic and polar, with histidine, which is basic and polar, at codon 1170 of the MTOR protein (p.Arg1170His).